The following is an entry in ClinVar:

ClinVar aggregate classification (germline): Likely benign. Review status: criteria provided, multiple submitters, no conflicts (2 of 4 stars). 3 submissions from 3 submitters: Likely benign (3). Last evaluated 2025-08-29.

Conditions:
PDE6B-related disorder. Also called: PDE6B-related disease; PDE6B-related condition; PDE6B-related disorders.

Allele frequency attached by ClinVar (database versions not stated): ExAC 0.00011; 1000 Genomes Project 30x 0.00016; 1000 Genomes Project 0.00020; ESP Exome Variant Server 0.00062.
gnomAD v4.1: 103 of 1,613,856 alleles (0.0064%); highest among the groups gnomAD compares: African/African-American, 0.069%; no homozygotes.

Submissions (3):

Labcorp Genetics (formerly Invitae), Labcorp
Classification: Likely benign. Last evaluated: 2025-08-29. Review status: criteria provided, single submitter. Criteria: Invitae Variant Classification Sherloc (09022015). Collection method: clinical testing. Allele origin: germline.

PreventionGenetics, part of Exact Sciences
Classification: Likely benign for PDE6B-related condition. Last evaluated: 2025-05-16. Review status: criteria provided, single submitter. Criteria: ACMG Guidelines, 2015. Collection method: clinical testing. Allele origin: germline.
Comment: This variant is classified as likely benign based on ACMG/AMP sequence variant interpretation guidelines (Richards et al. 2015 PMID: 25741868, with internal and published modifications).

Blueprint Genetics
Classification: Likely benign. Last evaluated: 2023-09-14. Review status: criteria provided, single submitter. Criteria: ACMG Guidelines, 2015. Collection method: clinical testing. Allele origin: germline.

NM_000283.4(PDE6B):c.810C>T (p.Cys270=)

Genes: PDE6B (phosphodiesterase 6B; plus strand), PDE6B-AS1 (PDE6B antisense RNA 1; minus strand). Cytogenetic location: 4p16.3.
Variant type: single nucleotide variant.
Coding change: c.810C>T on transcript NM_000283.4 (MANE Select); coding-DNA position 810, C replaced by T.
Protein change: p.Cys270=; no amino-acid change (cysteine 270 retained).
Molecular consequence: synonymous variant. On other transcripts: 5 prime UTR variant (5).
Genome position (GRCh38, 1-based): chr4:653,950, C>T. VCF-style: chr4-653950-C-T. GRCh37 (hg19) VCF-style: chr4-647739-C-T.
Other names: c.810C>T, p.Cys270= (NM_001145291.2); c.-28C>T (NM_001145292.2, NM_001350154.3, NM_001379246.1 and 1 more transcripts); c.-231C>T (NM_001350155.3); c.810C>T (NM_000283.3).
Identifiers: ClinVar variation 1130643 (VCV001130643.13), dbSNP rs145605739, ClinGen allele CA2794131.
Genomic context (GRCh38, chr4:653,950, plus strand): 5'-GACGGACATCGAGAGGCAGTTCCACAAGGCCTTCTACACGGTGCGGGCCTACCTCAACTG[C>T]GAGCGGTACTCCGTGGGCCTCCTGGACATGACCAAGGAGAAGGTGAGGCTTCCGTGGCTC-3'
Protein context (NP_000274.3, residues 260-280): AFYTVRAYLN[Cys270=]ERYSVGLLDM